The following is an entry in ClinVar:

NM_000384.3(APOB):c.12116T>G (p.Phe4039Cys)

Gene: APOB (apolipoprotein B; minus strand). Cytogenetic location: 2p24.1.
Variant type: single nucleotide variant.
Coding change: c.12116T>G on transcript NM_000384.3 (MANE Select); coding-DNA position 12116, T replaced by G.
Protein change: p.Phe4039Cys; replaces phenylalanine 4039 with cysteine.
Molecular consequence: missense variant.
Genome position (GRCh38, 1-based): chr2:21,003,306, A>C on the plus strand (T>G on the coding strand, the complement: APOB is on the minus strand). VCF-style: chr2-21003306-A-C. GRCh37 (hg19) VCF-style: chr2-21226178-A-C.
Other names: short protein forms F4039C.
Identifiers: ClinVar variation 3231369 (VCV003231369.2), dbSNP rs765643246, ClinGen allele CA049223.
Genomic context (GRCh38, chr2:21,003,306, plus strand): 5'-TCCCAATTAACTTTGATCTGAGTTTCCTCATCAGATTCCCGGACCCTCAACTCAGTTTTG[A>C]ATATGGTGAGTTTTTTATCTGGAGAGGACTAAACAGAGAGAAAAAAAAAAATAACATGTT-3'
Protein context (NP_000375.3, residues 4029-4049): QSSPDKKLTI[Phe4039Cys]KTELRVRESD

ClinVar aggregate classification (germline): Conflicting classifications of pathogenicity. Review status: criteria provided, conflicting classifications (1 of 4 stars). 2 submissions from 2 submitters: Uncertain significance (1); Likely benign (1). Last evaluated 2026-01-03.

Conditions:
Cardiovascular phenotype. Identifiers: MedGen CN230736.
Hypercholesterolemia, autosomal dominant, type B (FHCL2). Also called: Familial Hypercholesterolemia Type B; APOLIPOPROTEIN B-100, FAMILIAL DEFECTIVE; APOLIPOPROTEIN B-100, FAMILIAL LIGAND-DEFECTIVE; HYPERCHOLESTEROLEMIA, FAMILIAL, DUE TO LIGAND-DEFECTIVE APOLIPOPROTEIN B; Familial hypercholesterolemia 2; APOB-Related Familial Hypercholesterolemia, Autosomal Dominant. Identifiers: MedGen C1704417, MONDO:0007751, OMIM 144010.
Familial hypobetalipoproteinemia 1. Also called: APOB-Related Familial Hypobetalipoproteinemia; Hypobetalipoproteinemia, normotriglyceridemic; Acanthocytosis with hypobetalipoproteinemia. Identifiers: MedGen C4551990, MONDO:0014252, OMIM 615558.

Allele frequency attached by ClinVar (database versions not stated): gnomAD exomes below 0.00001; gnomAD 0.00001; ExAC 0.00002; TOPMed 0.00002.

Submissions (2):

Labcorp Genetics (formerly Invitae), Labcorp
Classification: Uncertain significance for Familial hypobetalipoproteinemia 1; Hypercholesterolemia, autosomal dominant, type B. Last evaluated: 2026-01-03. Review status: criteria provided, single submitter. Criteria: Invitae Variant Classification Sherloc (09022015). Collection method: clinical testing. Allele origin: germline.
Comment: This sequence change replaces phenylalanine, which is neutral and non-polar, with cysteine, which is neutral and slightly polar, at codon 4039 of the APOB protein (p.Phe4039Cys). This variant is present in population databases (rs765643246, gnomAD 0.002%). This missense change has been observed in individual(s) with APOB-related conditions (PMID: 29572815). ClinVar contains an entry for this variant (Variation ID: 3231369). Invitae Evidence Modeling of protein sequence and biophysical properties (such as structural, functional, and spatial information, amino acid conservation, physicochemical variation, residue mobility, and thermodynamic stability) indicates that this missense variant is not expected to disrupt APOB protein function with a negative predictive value of 95%. In summary, the available evidence is currently insufficient to determine the role of this variant in disease. Therefore, it has been classified as a Variant of Uncertain Significance.

Ambry Genetics
Classification: Likely benign for Cardiovascular phenotype. Last evaluated: 2024-01-02. Review status: criteria provided, single submitter. Criteria: Ambry Variant Classification Scheme 2023. Collection method: clinical testing. Allele origin: germline.

Literature cited by the submitters: PubMed 29572815 (cited by Labcorp Genetics (formerly Invitae), Labcorp and Ambry Genetics).